The following is an entry in ClinVar:

ClinVar aggregate classification (germline): Likely benign. Review status: criteria provided, multiple submitters, no conflicts (2 of 4 stars). 3 submissions from 3 submitters: Likely benign (2). 1 of the submissions does not count toward it. Last evaluated 2025-12-11.

Conditions:
ZMPSTE24-related disorder. Also called: ZMPSTE24-related disorders; ZMPSTE24-related condition. Identifiers: MedGen CN239425.

Allele frequency attached by ClinVar (database versions not stated): gnomAD exomes 0.00001; ExAC 0.00002; gnomAD 0.00002; TOPMed 0.00004.
gnomAD v4.1: 33 of 1,613,228 alleles (0.002%); highest among the groups gnomAD compares: East Asian, 0.027%; no homozygotes.

Submissions (3):

Labcorp Genetics (formerly Invitae), Labcorp
Classification: Likely benign. Last evaluated: 2025-12-11. Review status: criteria provided, single submitter. Criteria: Invitae Variant Classification Sherloc (09022015). Collection method: clinical testing. Allele origin: germline.

Blueprint Genetics
Classification: Likely benign. Last evaluated: 2024-07-24. Review status: criteria provided, single submitter. Criteria: ACMG Guidelines, 2015. Collection method: clinical testing. Allele origin: germline.

PreventionGenetics, part of Exact Sciences
Classification: Likely benign for ZMPSTE24-related condition. Last evaluated: 2019-10-03. Review status: no assertion criteria provided. Collection method: clinical testing. Allele origin: germline. Not counted in ClinVar's aggregate classification.
Comment: This variant is classified as likely benign based on ACMG/AMP sequence variant interpretation guidelines (Richards et al. 2015 PMID: 25741868, with internal and published modifications).

NM_005857.5(ZMPSTE24):c.1203+10G>A

Gene: ZMPSTE24 (zinc metallopeptidase STE24; plus strand). Cytogenetic location: 1p34.2.
Variant type: single nucleotide variant.
Coding change: c.1203+10G>A on transcript NM_005857.5 (MANE Select); 10 bases into the intron after coding-DNA position 1203, G replaced by A.
Molecular consequence: intron variant.
Genome position (GRCh38, 1-based): chr1:40,291,007, G>A. VCF-style: chr1-40291007-G-A. GRCh37 (hg19) VCF-style: chr1-40756679-G-A.
Other names: c.1203+10G>A (NM_005857.4).
Identifiers: ClinVar variation 1596042 (VCV001596042.11), dbSNP rs756057709, ClinGen allele CA791188.